The following is an entry in ClinVar:

ClinVar aggregate classification (germline): Uncertain significance. Review status: criteria provided, single submitter (1 of 4 stars). 2 submissions from 2 submitters: Uncertain significance (1). 1 of the submissions does not count toward it. Last evaluated 2024-02-14.

Conditions:
Bardet-Biedl syndrome 10 (BBS10). Identifiers: Orphanet 110, MedGen C1859568, MONDO:0014438, OMIM 615987.
BBS10-related disorder. Also called: BBS10-related condition.

gnomAD v4.1: 1 of 1,614,006 alleles (0.000062%); highest among the groups gnomAD compares: East Asian, 0.0022%; no homozygotes.

Submissions (2):

Fulgent Genetics
Classification: Uncertain significance for Bardet-Biedl syndrome 10. Last evaluated: 2024-02-14. Review status: criteria provided, single submitter. Criteria: ACMG Guidelines, 2015. Collection method: clinical testing. Allele origin: germline.

PreventionGenetics, part of Exact Sciences
Classification: Uncertain significance for BBS10-related condition. Last evaluated: 2024-03-15. Review status: no assertion criteria provided. Collection method: clinical testing. Allele origin: germline. Not counted in ClinVar's aggregate classification.
Comment: The BBS10 c.1261C>T variant is predicted to result in the amino acid substitution p.Leu421Phe. To our knowledge, this variant has not been reported in the literature. This variant is reported in 0.064% of alleles in individuals of East Asian descent in gnomAD. Although we suspect that this variant may be benign, at this time, the clinical significance of this variant is uncertain due to the absence of conclusive functional and genetic evidence.

NM_024685.4(BBS10):c.1261C>T (p.Leu421Phe)

Gene: BBS10 (Bardet-Biedl syndrome 10; minus strand). Cytogenetic location: 12q21.2.
Variant type: single nucleotide variant.
Coding change: c.1261C>T on transcript NM_024685.4 (MANE Select); coding-DNA position 1261, C replaced by T.
Protein change: p.Leu421Phe; replaces leucine 421 with phenylalanine.
Molecular consequence: missense variant.
Genome position (GRCh38, 1-based): chr12:76,346,724, G>A on the plus strand (C>T on the coding strand, the complement: BBS10 is on the minus strand). VCF-style: chr12-76346724-G-A. GRCh37 (hg19) VCF-style: chr12-76740504-G-A.
Other names: short protein forms L421F.
Identifiers: ClinVar variation 3353623 (VCV003353623.2).